The following is an entry in ClinVar:

NM_206926.2(SELENON):c.541del (p.Gln181fs)

Gene: SELENON (selenoprotein N; plus strand). Cytogenetic location: 1p36.11.
Variant type: Deletion.
Coding change: c.541del on transcript NM_206926.2 (MANE Select); coding-DNA position 541, one base deleted (C; older notation c.541delC).
Protein change: p.Gln181fs; shifts the reading frame from glutamine 181.
Molecular consequence: frameshift variant.
Genome position (GRCh38, 1-based): chr1:25,808,685, C deleted; the last of 2 consecutive C bases (chr1:25,808,684-25,808,685); deleting either gives the same sequence. VCF-style (leftmost placement, unchanged base first): chr1-25808683-GC-G. GRCh37 (hg19) VCF-style: chr1-26135174-GC-G.
Other names: c.643del, p.Gln215fs (NM_020451.3); short protein forms Q181fs, Q215fs.
Identifiers: ClinVar variation 956974 (VCV000956974.9), dbSNP rs2047931126, ClinGen allele CA1139656022.

ClinVar aggregate classification (germline): Pathogenic. Review status: criteria provided, multiple submitters, no conflicts (2 of 4 stars). 2 submissions from 2 submitters: Pathogenic (2). Last evaluated 2025-02-10.

Conditions:
Eichsfeld type congenital muscular dystrophy (CMYO3). Also called: Rigid spine muscular dystrophy 1; MYOPATHY, SEPN1-RELATED; SELENON-related myopathy; Congenital myopathy 3 with rigid spine. Identifiers: MedGen C0410180, MONDO:0100100, OMIM 602771.

Submissions (2):

Greenwood Genetic Center Diagnostic Laboratories, Greenwood Genetic Center
Classification: Pathogenic for Eichsfeld type congenital muscular dystrophy. Last evaluated: 2025-02-10. Review status: criteria provided, single submitter. Criteria: ACMG Guidelines, 2015. Collection method: clinical testing. Allele origin: germline. Affected: yes.
Comment: PVS1, PM2, PM3

Labcorp Genetics (formerly Invitae), Labcorp
Classification: Pathogenic for Eichsfeld type congenital muscular dystrophy. Last evaluated: 2022-04-23. Review status: criteria provided, single submitter. Criteria: Invitae Variant Classification Sherloc (09022015). Collection method: clinical testing. Allele origin: germline.
Comment: For these reasons, this variant has been classified as Pathogenic. Algorithms developed to predict the effect of sequence changes on RNA splicing suggest that this variant may create or strengthen a splice site. ClinVar contains an entry for this variant (Variation ID: 956974). This variant has not been reported in the literature in individuals affected with SELENON-related conditions. This variant is not present in population databases (gnomAD no frequency). This sequence change creates a premature translational stop signal (p.Gln215Argfs*14) in the SELENON gene. It is expected to result in an absent or disrupted protein product. Loss-of-function variants in SELENON are known to be pathogenic (PMID: 21131290, 21670436).

Literature cited by the submitters: PubMed 21131290 (cited by Labcorp Genetics (formerly Invitae), Labcorp); PubMed 21670436 (cited by Labcorp Genetics (formerly Invitae), Labcorp).